The following is an entry in ClinVar:

ClinVar aggregate classification (germline): Uncertain significance. Review status: criteria provided, multiple submitters, no conflicts (2 of 4 stars). 3 submissions from 3 submitters: Uncertain significance (2). 1 of the submissions does not count toward it. Last evaluated 2024-10-23.

Conditions:
Asphyxiating thoracic dystrophy 5 (SRTD5). Also called: SHORT-RIB THORACIC DYSPLASIA 5 WITH OR WITHOUT POLYDACTYLY; SHORT-RIB THORACIC DYSPLASIA 5 WITHOUT POLYDACTYLY. Identifiers: Orphanet 474, MedGen C3280598, MONDO:0013717, OMIM 614376.
Cranioectodermal dysplasia 4 (CED4). Identifiers: Orphanet 1515, MedGen C3280616, MONDO:0013719, OMIM 614378.
Senior-Loken syndrome 8 (SLSN8). Identifiers: Orphanet 3156, MedGen C4225376, MONDO:0014579, OMIM 616307.
Nephronophthisis 13 (NPHP13). Identifiers: Orphanet 655, MedGen C3280612, MONDO:0013718, OMIM 614377.
Spermatogenic failure 72 (SPGF72). Identifiers: MedGen C5676980, MONDO:0030809, OMIM 619867.
WDR19-related disorder. Also called: WDR19-related condition; WDR19-related disorders. Identifiers: MedGen CN380161.

Allele frequency attached by ClinVar (database versions not stated): gnomAD 0.00001; 1000 Genomes Project 30x 0.00016; 1000 Genomes Project 0.00020.
gnomAD v4.1: 7 of 1,613,038 alleles (0.00043%); highest among the groups gnomAD compares: East Asian, 0.016%; no homozygotes.

Submissions (3):

Labcorp Genetics (formerly Invitae), Labcorp
Classification: Uncertain significance for Senior-Loken syndrome 8; Asphyxiating thoracic dystrophy 5. Last evaluated: 2024-10-23. Review status: criteria provided, single submitter. Criteria: Invitae Variant Classification Sherloc (09022015). Collection method: clinical testing. Allele origin: germline.
Comment: This sequence change replaces asparagine, which is neutral and polar, with histidine, which is basic and polar, at codon 125 of the WDR19 protein (p.Asn125His). This variant is present in population databases (rs568869081, gnomAD 0.02%). This variant has not been reported in the literature in individuals affected with WDR19-related conditions. ClinVar contains an entry for this variant (Variation ID: 2195039). Invitae Evidence Modeling of protein sequence and biophysical properties (such as structural, functional, and spatial information, amino acid conservation, physicochemical variation, residue mobility, and thermodynamic stability) indicates that this missense variant is not expected to disrupt WDR19 protein function with a negative predictive value of 80%. In summary, the available evidence is currently insufficient to determine the role of this variant in disease. Therefore, it has been classified as a Variant of Uncertain Significance.

Fulgent Genetics
Classification: Uncertain significance for Asphyxiating thoracic dystrophy 5; Nephronophthisis 13; Cranioectodermal dysplasia 4; Senior-Loken syndrome 8; Spermatogenic failure 72. Last evaluated: 2024-05-29. Review status: criteria provided, single submitter. Criteria: ACMG Guidelines, 2015. Collection method: clinical testing. Allele origin: germline.

PreventionGenetics, part of Exact Sciences
Classification: Uncertain significance for WDR19-related condition. Last evaluated: 2024-03-18. Review status: no assertion criteria provided. Collection method: clinical testing. Allele origin: germline. Not counted in ClinVar's aggregate classification.
Comment: The WDR19 c.373A>C variant is predicted to result in the amino acid substitution p.Asn125His. To our knowledge, this variant has not been reported in the literature. This variant is reported in 0.017% of alleles in individuals of East Asian descent in gnomAD. At this time, the clinical significance of this variant is uncertain due to the absence of conclusive functional and genetic evidence.

NM_025132.4(WDR19):c.373A>C (p.Asn125His)

Gene: WDR19 (WD repeat domain 19; plus strand). Cytogenetic location: 4p14.
Variant type: single nucleotide variant.
Coding change: c.373A>C on transcript NM_025132.4 (MANE Select); coding-DNA position 373, A replaced by C.
Protein change: p.Asn125His; replaces asparagine 125 with histidine.
Molecular consequence: missense variant. On other transcripts: intron variant (1).
Genome position (GRCh38, 1-based): chr4:39,194,626, A>C. VCF-style: chr4-39194626-A-C. GRCh37 (hg19) VCF-style: chr4-39196246-A-C.
Other names: c.373A>C (NM_025132.3); c.-75+4845A>C (NM_001317924.2); short protein forms N125H.
Identifiers: ClinVar variation 2195039 (VCV002195039.4), dbSNP rs568869081, ClinGen allele CA95680843.